The following is an entry in ClinVar:

ClinVar aggregate classification (germline): Pathogenic (1 of 4 stars; one submission).

Submission:

CeGaT Center for Human Genetics Tuebingen
Classification: Pathogenic. Last evaluated: 2022-12-01. Review status: criteria provided, single submitter. Criteria: CeGaT Center For Human Genetics Tuebingen Variant Classification Criteria Version 2. Collection method: clinical testing. Allele origin: germline. Affected: yes. Observed: 1 variant allele.
Comment: SPTB: PVS1, PM2, PP4

NM_001355436.2(SPTB):c.2312del (p.Val771fs)

Gene: SPTB (spectrin beta, erythrocytic; minus strand). Cytogenetic location: 14q23.3.
Variant type: Deletion.
Coding change: c.2312del on transcript NM_001355436.2 (MANE Select); coding-DNA position 2312, one base deleted (T; older notation c.2312delT).
Protein change: p.Val771fs; shifts the reading frame from valine 771.
Molecular consequence: frameshift variant.
Genome position (GRCh38, 1-based): chr14:64,793,351, A deleted on the plus strand (T on the coding strand, the reverse complement: SPTB is on the minus strand). VCF-style (leftmost placement, unchanged base first): chr14-64793350-CA-C. GRCh37 (hg19) VCF-style: chr14-65260068-CA-C.
Other names: c.2312del, p.Val771fs (NM_001024858.4, NM_001355437.2); short protein forms V771fs.
Identifiers: ClinVar variation 1879282 (VCV001879282.29), dbSNP rs2503158726, ClinGen allele CA2580088361.